The following is an entry in ClinVar:

ClinVar aggregate classification (germline): Likely benign. Review status: criteria provided, multiple submitters, no conflicts (2 of 4 stars). 4 submissions from 4 submitters: Likely benign (4). Last evaluated 2026-07-07.

Conditions:
Rhabdoid tumor predisposition syndrome 2 (RTPS2). Identifiers: Orphanet 231108, Orphanet 69077, MedGen C2750074, MONDO:0013224, OMIM 613325.

Allele frequency attached by ClinVar (database versions not stated): TOPMed 0.00009; 1000 Genomes Project 30x 0.00016; gnomAD 0.00007; ESP Exome Variant Server 0.00008; 1000 Genomes Project 0.00020.
gnomAD v4.1: 204 of 1,612,994 alleles (0.013%); highest among the groups gnomAD compares: Middle Eastern, 0.017%; no homozygotes.

Submissions (4):

Myriad Genetics, Inc.
Classification: Likely benign for Rhabdoid tumor predisposition syndrome 2. Last evaluated: 2026-07-07. Review status: criteria provided, single submitter. Criteria: Myriad Autosomal Dominant, Autosomal Recessive and X-Linked Classification Criteria (2023). Collection method: clinical testing. Allele origin: unknown.
Comment: This variant is considered likely benign. This variant is intronic and is not expected to impact mRNA splicing.

Labcorp Genetics (formerly Invitae), Labcorp
Classification: Likely benign for Rhabdoid tumor predisposition syndrome 2. Last evaluated: 2026-01-28. Review status: criteria provided, single submitter. Criteria: Invitae Variant Classification Sherloc (09022015). Collection method: clinical testing. Allele origin: germline.

Blueprint Genetics
Classification: Likely benign. Last evaluated: 2024-11-18. Review status: criteria provided, single submitter. Criteria: ACMG Guidelines, 2015. Collection method: clinical testing. Allele origin: germline.

GeneDx
Classification: Likely benign. Last evaluated: 2017-09-27. Review status: criteria provided, single submitter. Criteria: GeneDx Variant Classification (06012015). Collection method: clinical testing. Allele origin: germline. Affected: yes.
Comment: This variant is considered likely benign or benign based on one or more of the following criteria: it is a conservative change, it occurs at a poorly conserved position in the protein, it is predicted to be benign by multiple in silico algorithms, and/or has population frequency not consistent with disease.

NM_003072.5(SMARCA4):c.2002-20A>C

Gene: SMARCA4 (SWI/SNF related BAF chromatin remodeling complex subunit ATPase 4; plus strand). Cytogenetic location: 19p13.2.
Variant type: single nucleotide variant.
Coding change: c.2002-20A>C on transcript NM_003072.5 (MANE Select); 20 bases into the intron before coding-DNA position 2002, A replaced by C.
Molecular consequence: intron variant.
Genome position (GRCh38, 1-based): chr19:11,007,882, A>C. VCF-style: chr19-11007882-A-C. GRCh37 (hg19) VCF-style: chr19-11118558-A-C.
Other names: c.2002-20A>C (NM_001128844.3, NM_001128849.3, NM_001128847.4 and 5 more transcripts).
Identifiers: ClinVar variation 512396 (VCV000512396.11), dbSNP rs369922926, ClinGen allele CA9203982.